The following is an entry in ClinVar:

NM_002691.4(POLD1):c.2430G>C (p.Ala810=)

Gene: POLD1 (DNA polymerase delta 1, catalytic subunit; plus strand). Cytogenetic location: 19q13.33.
Variant type: single nucleotide variant.
Coding change: c.2430G>C on transcript NM_002691.4 (MANE Select); coding-DNA position 2430, G replaced by C.
Protein change: p.Ala810=; no amino-acid change (alanine 810 retained).
Molecular consequence: synonymous variant. On other transcripts: non-coding transcript variant (1).
Genome position (GRCh38, 1-based): chr19:50,414,856, G>C. VCF-style: chr19-50414856-G-C. GRCh37 (hg19) VCF-style: chr19-50918113-G-C.
Other names: c.2430G>C, p.Ala810= (NM_001256849.1); c.2508G>C, p.Ala836= (NM_001308632.1).
Identifiers: ClinVar variation 484400 (VCV000484400.16), dbSNP rs763386334, ClinGen allele CA508186057.

ClinVar aggregate classification (germline): Likely benign. Review status: criteria provided, multiple submitters, no conflicts (2 of 4 stars). 4 submissions from 4 submitters: Likely benign (4). Last evaluated 2025-01-07.

Conditions:
POLD1-related polyposis and colorectal cancer syndrome (CRCS10). Also called: Colorectal cancer 10; COLORECTAL CANCER, SUSCEPTIBILITY TO, ON CHROMOSOME 19q; Colorectal cancer, susceptibility to, 10. Identifiers: Orphanet 220460, MedGen C2675481, MONDO:0012953, OMIM 612591.
Hereditary cancer-predisposing syndrome. Also called: Tumor predisposition; Hereditary Cancer Syndrome; Hereditary neoplastic syndrome; Neoplastic Syndromes, Hereditary. Identifiers: Orphanet 140162, MedGen C0027672, MeSH D009386, MONDO:0015356.

Allele frequency attached by ClinVar (database versions not stated): gnomAD 0.00001; TOPMed 0.00002.
gnomAD v4.1: 10 of 1,598,562 alleles (0.00063%); highest among the groups gnomAD compares: Non-Finnish European, 0.00085%; no homozygotes.

Submissions (4):

Labcorp Genetics (formerly Invitae), Labcorp
Classification: Likely benign for POLD1-related polyposis and colorectal cancer syndrome. Last evaluated: 2025-01-07. Review status: criteria provided, single submitter. Criteria: Invitae Variant Classification Sherloc (09022015). Collection method: clinical testing. Allele origin: germline.

Blueprint Genetics
Classification: Likely benign. Last evaluated: 2023-09-12. Review status: criteria provided, single submitter. Criteria: ACMG Guidelines, 2015. Collection method: clinical testing. Allele origin: germline.

GeneDx
Classification: Likely benign. Last evaluated: 2018-03-23. Review status: criteria provided, single submitter. Criteria: GeneDx Variant Classification (06012015). Collection method: clinical testing. Allele origin: germline. Affected: yes.
Comment: This variant is considered likely benign or benign based on one or more of the following criteria: it is a conservative change, it occurs at a poorly conserved position in the protein, it is predicted to be benign by multiple in silico algorithms, and/or has population frequency not consistent with disease.

Ambry Genetics
Classification: Likely benign for Hereditary cancer-predisposing syndrome. Last evaluated: 2016-11-30. Review status: criteria provided, single submitter. Criteria: Ambry Variant Classification Scheme 2023. Collection method: clinical testing. Allele origin: germline.